The following is an entry in ClinVar:

ClinVar aggregate classification (germline): Uncertain significance (1 of 4 stars; one submission).

Conditions:
Polycystic kidney disease, adult type (PKD1). Also called: Polycystic Kidney Disease 1, Autosomal Dominant; Polycystic kidney disease 1; Polycystic kidney disease 1, severe; POLYCYSTIC KIDNEY DISEASE, ADULT, TYPE I; Polycystic Kidney, Autosomal Dominant; POLYCYSTIC KIDNEY DISEASE 1 WITH OR WITHOUT POLYCYSTIC LIVER DISEASE. Identifiers: MedGen C3149841, MONDO:0008263, OMIM 173900.

Submission:

Victorian Clinical Genetics Services, Murdoch Childrens Research Institute
Classification: Uncertain significance for Polycystic kidney disease, adult type. Last evaluated: 2026-04-24. Review status: criteria provided, single submitter. Criteria: ACMG Guidelines, 2015. Collection method: clinical testing. Allele origin: germline. Affected: yes.
Comment: This variant is classified as VUS-3A. Evidence in support of pathogenic classification: Variant is absent from gnomAD (v2, v3 and v4); This variant has limited previous evidence of pathogenicity in unrelated individuals. This variant has been reported in individuals in ADPKD cohort studies (PMIDs: 31740684, Sezgin et al. 2020); Missense variant predicted to be damaging by in silico tool(s) or highly conserved with a major amino acid change. Additional information: Variant is predicted to result in a missense amino acid change from Cys to Tyr; This variant is heterozygous; This gene is associated with autosomal dominant disease. Polycystic kidney disease 1 (MIM#173900) is predominantly caused by monoallelic variants, with rare reports of biallelic variants causing disease (OMIM); Alternative amino acid change(s) at the same position are present in gnomAD (highest allele count: v4: 1 heterozygote(s), 0 homozygote(s)); No published evidence of segregation with disease has been identified for this variant; No published functional evidence has been identified for this variant; Another missense variants comparable to the one identified in this case has inconclusive previous evidence for pathogenicity. The p.(Cys419Ser) variant has been classified as a VUS by a clinical laboratory in ClinVar; Variant is not located in an established domain, motif, hotspot or informative constraint region; Loss of function is a known mechanism of disease in this gene and is associated with polycystic kidney disease 1 (MIM#173900); Inheritance information for this variant is not currently available in this individual.

Literature cited by the submitters: PubMed 31740684.

NM_001009944.3(PKD1):c.1256G>A (p.Cys419Tyr)

Gene: PKD1 (polycystin 1, transient receptor potential channel interacting; minus strand). Cytogenetic location: 16p13.3.
Variant type: single nucleotide variant.
Coding change: c.1256G>A on transcript NM_001009944.3 (MANE Select); coding-DNA position 1256, G replaced by A.
Protein change: p.Cys419Tyr; replaces cysteine 419 with tyrosine.
Molecular consequence: missense variant.
Genome position (GRCh38, 1-based): chr16:2,117,618, C>T on the plus strand (G>A on the coding strand, the complement: PKD1 is on the minus strand). VCF-style: chr16-2117618-C-T. GRCh37 (hg19) VCF-style: chr16-2167619-C-T.
Other names: c.1256G>A, p.Cys419Tyr (NM_000296.4); short protein forms C419Y.
Identifiers: ClinVar variation 4879627 (VCV004879627.1).